The following is an entry in ClinVar:

NM_000188.3(HK1):c.1826C>G (p.Thr609Arg)

Gene: HK1 (hexokinase 1; plus strand). Cytogenetic location: 10q22.1.
Variant type: single nucleotide variant.
Coding change: c.1826C>G on transcript NM_000188.3 (MANE Select); coding-DNA position 1826, C replaced by G.
Protein change: p.Thr609Arg; replaces threonine 609 with arginine.
Molecular consequence: missense variant.
Genome position (GRCh38, 1-based): chr10:69,384,902, C>G. VCF-style: chr10-69384902-C-G. GRCh37 (hg19) VCF-style: chr10-71144658-C-G.
Other names: c.1838C>G, p.Thr613Arg (NM_001322364.2, NM_001358263.1, NM_033497.3 and 1 more transcripts); c.1931C>G, p.Thr644Arg (NM_001322365.2); c.1742C>G, p.Thr581Arg (NM_001322366.1); c.1730C>G, p.Thr577Arg (NM_001322367.1); c.1823C>G, p.Thr608Arg (NM_033496.3); c.1790C>G, p.Thr597Arg (NM_033500.2); short protein forms T577R, T581R, T597R, T608R, T609R, T613R, T644R.
Identifiers: ClinVar variation 1716442 (VCV001716442.5), dbSNP rs769433330, ClinGen allele CA376912480.

ClinVar aggregate classification (germline): Uncertain significance (1 of 4 stars; one submission).

Submission:

Labcorp Genetics (formerly Invitae), Labcorp
Classification: Uncertain significance. Last evaluated: 2022-08-14. Review status: criteria provided, single submitter. Criteria: Invitae Variant Classification Sherloc (09022015). Collection method: clinical testing. Allele origin: germline.
Comment: In summary, the available evidence is currently insufficient to determine the role of this variant in disease. Therefore, it has been classified as a Variant of Uncertain Significance. Algorithms developed to predict the effect of missense changes on protein structure and function are either unavailable or do not agree on the potential impact of this missense change (SIFT: "Deleterious"; PolyPhen-2: "Benign"; Align-GVGD: "Class C0"). This variant has not been reported in the literature in individuals affected with HK1-related conditions. This variant is not present in population databases (gnomAD no frequency). This sequence change replaces threonine, which is neutral and polar, with arginine, which is basic and polar, at codon 609 of the HK1 protein (p.Thr609Arg).